The following is an entry in ClinVar:

NM_001165963.4(SCN1A):c.2843T>C (p.Leu948Pro)

Gene: SCN1A (sodium voltage-gated channel alpha subunit 1; minus strand). Cytogenetic location: 2q24.3.
Variant type: single nucleotide variant.
Coding change: c.2843T>C on transcript NM_001165963.4 (MANE Select); coding-DNA position 2843, T replaced by C.
Protein change: p.Leu948Pro; replaces leucine 948 with proline.
Molecular consequence: missense variant. On other transcripts: non-coding transcript variant (1).
Genome position (GRCh38, 1-based): chr2:166,037,879, A>G on the plus strand (T>C on the coding strand, the complement: SCN1A is on the minus strand). VCF-style: chr2-166037879-A-G. GRCh37 (hg19) VCF-style: chr2-166894389-A-G.
Other names: c.2810T>C, p.Leu937Pro (NM_001353952.2, NM_001353949.2, NM_006920.6 and 2 more transcripts); c.2807T>C, p.Leu936Pro (NM_001353954.2, NM_001353955.2); c.2759T>C, p.Leu920Pro (NM_001353957.2, NM_001353958.2, NM_001165964.3); c.2756T>C, p.Leu919Pro (NM_001353960.2); c.401T>C, p.Leu134Pro (NM_001353961.2); c.2843T>C, p.Leu948Pro (NM_001202435.3, NM_001353948.2); short protein forms L134P, L919P, L920P, L936P, L937P, L948P.
Identifiers: ClinVar variation 1185956 (VCV001185956.2), dbSNP rs2105806501, ClinGen allele CA349061195.

ClinVar aggregate classification (germline): Likely pathogenic (1 of 4 stars; one submission).

Submission:

GeneDx
Classification: Likely pathogenic. Last evaluated: 2019-03-27. Review status: criteria provided, single submitter. Criteria: GeneDx Variant Classification Process June 2021. Collection method: clinical testing. Allele origin: germline. Affected: yes.
Comment: Not observed in large population cohorts (Lek et al., 2016); The majority of missense variants in this gene are considered pathogenic (Stenson et al., 2014); In silico analysis, which includes protein predictors and evolutionary conservation, supports a deleterious effect; Has not been previously published as pathogenic or benign to our knowledge; This substitution is predicted to be within the pore forming loop between the S5 and S6 transmembrane segments of the second homologous domain